The following is an entry in ClinVar:

ClinVar aggregate classification (germline): Likely pathogenic. Review status: criteria provided, multiple submitters, no conflicts (2 of 4 stars). 2 submissions from 2 submitters: Likely pathogenic (2). Last evaluated 2022-11-08.

Conditions:
H syndrome. Also called: Asrar Facharzt Haque syndrome; Histiocytosis with joint contractures and sensorineural deafness; FAISALABAD HISTIOCYTOSIS; Pigmented hypertrichosis and insulin-dependent diabetes mellitus; HISTIOCYTOSIS AND LYMPHADENOPATHY WITH OR WITHOUT CUTANEOUS, CARDIAC, AND/OR ENDOCRINE FEATURES, JOINT CONTRACTURES, AND/OR DEAFNESS; HYPERPIGMENTATION, CUTANEOUS, WITH HYPERTRICHOSIS, HEPATOSPLENOMEGALY, HEART ANOMALIES, AND HYPOGONADISM WITH OR WITHOUT HEARING LOSS. Identifiers: Orphanet 168569, MedGen C1864445, MONDO:0011273, OMIM 602782.
SLC29A3-related disorder. Also called: SLC29A3-related condition.

gnomAD v4.1: 4 of 647,934 alleles (0.00062%); highest among the groups gnomAD compares: Non-Finnish European, 0.00083%; no homozygotes.

Submissions (2):

Labcorp Genetics (formerly Invitae), Labcorp
Classification: Likely pathogenic for H syndrome. Last evaluated: 2022-11-08. Review status: criteria provided, single submitter. Criteria: Invitae Variant Classification Sherloc (09022015). Collection method: clinical testing. Allele origin: germline.
Comment: This sequence change affects a donor splice site in intron 1 of the SLC29A3 gene. It is expected to disrupt RNA splicing. Variants that disrupt the donor or acceptor splice site typically lead to a loss of protein function (PMID: 16199547), and loss-of-function variants in SLC29A3 are known to be pathogenic (PMID: 19336477, 20595384, 23406517, 25963354). In summary, the currently available evidence indicates that the variant is pathogenic, but additional data are needed to prove that conclusively. Therefore, this variant has been classified as Likely Pathogenic. Algorithms developed to predict the effect of sequence changes on RNA splicing suggest that this variant may disrupt the consensus splice site. Disruption of this splice site has been observed in individual(s) with H syndrome (PMID: 22653152). This variant is not present in population databases (gnomAD no frequency).

Blueprint Genetics
Classification: Likely pathogenic for SLC29A3-related disorders. Last evaluated: 2021-11-24. Review status: criteria provided, single submitter. Criteria: ACMG Guidelines, 2015. Collection method: clinical testing. Allele origin: germline. Affected: yes. Observed: 1 variant allele.

Literature cited by the submitters: PubMed 16199547 (cited by Labcorp Genetics (formerly Invitae), Labcorp); PubMed 19336477 (cited by Labcorp Genetics (formerly Invitae), Labcorp); PubMed 20595384 (cited by Labcorp Genetics (formerly Invitae), Labcorp); PubMed 23406517 (cited by Labcorp Genetics (formerly Invitae), Labcorp); PubMed 25963354 (cited by Labcorp Genetics (formerly Invitae), Labcorp); PubMed 22653152 (cited by Labcorp Genetics (formerly Invitae), Labcorp).

NM_018344.6(SLC29A3):c.1+2T>G

Genes: SLC29A3 (solute carrier family 29 member 3; plus strand), LOC130004025 (ATAC-STARR-seq lymphoblastoid silent region 2461; plus strand). Cytogenetic location: 10q22.1.
Variant type: single nucleotide variant.
Coding change: c.1+2T>G on transcript NM_018344.6 (MANE Select); the canonical splice donor site of the intron after coding-DNA position 1, T replaced by G.
Molecular consequence: splice donor variant, initiator codon variant. On other transcripts: 5 prime UTR variant (1).
Genome position (GRCh38, 1-based): chr10:71,319,312, T>G. VCF-style: chr10-71319312-T-G. GRCh37 (hg19) VCF-style: chr10-73079069-T-G.
Other names: c.-653T>G (NM_001363518.2); c.1+2T>G (NM_001174098.2).
Identifiers: ClinVar variation 2136876 (VCV002136876.6), dbSNP rs1845790373, ClinGen allele CA377128556.
Genomic context (GRCh38, chr10:71,319,312, plus strand): 5'-CAAGCCCAGTGGTCCTGGCCGTGCGCCGGAGGCAGCGGCGGCGTGGCGCAGCGGCGACAG[T>G]AAGTGCGGGCCGGCTCGGGCTCTTCCGGCTACGGTCCCGGCCGCCCCCAGACTCGCGCTC-3'